The following is an entry in ClinVar:

ClinVar aggregate classification (germline): Uncertain significance. Review status: criteria provided, multiple submitters, no conflicts (2 of 4 stars). 3 submissions from 2 submitters: Uncertain significance (2). 1 of the submissions does not count toward it. Last evaluated 2022-12-17.

Conditions:
Proteasome-associated autoinflammatory syndrome 1 (PRAAS1). Also called: JOINT CONTRACTURES, MUSCULAR ATROPHY, MICROCYTIC ANEMIA, AND PANNICULITIS-INDUCED LIPODYSTROPHY; JMP SYNDROME; AUTOINFLAMMATION, LIPODYSTROPHY, AND DERMATOSIS SYNDROME; NAKAJO-NISHIMURA SYNDROME; CHRONIC ATYPICAL NEUTROPHILIC DERMATOSIS WITH LIPODYSTROPHY AND ELEVATED TEMPERATURE SYNDROME; Nakajo syndrome. Identifiers: Orphanet 2615, Orphanet 324977, Orphanet 324999, Orphanet 325004, MedGen C4746851, MONDO:0054698, OMIM 256040.
Proteosome-associated autoinflammatory syndrome. Also called: Proteasome-associated autoinflammatory syndrome. Identifiers: Orphanet 324977, MedGen C1850568, MONDO:0009726.

Allele frequency attached by ClinVar (database versions not stated): gnomAD exomes below 0.00001; TOPMed 0.00001.
gnomAD v4.1: 3 of 1,612,570 alleles (0.00019%); highest among the groups gnomAD compares: South Asian, 0.0033%; no homozygotes.

Submissions (3):

Dubai Health Genomic Medicine Center, Dubai Health
Classification: Uncertain significance. Last evaluated: 2022-12-17. Review status: criteria provided, single submitter. Criteria: ACMG Guidelines, 2015. Collection method: clinical testing. Allele origin: germline. Affected: yes.

Labcorp Genetics (formerly Invitae), Labcorp
Classification: Uncertain significance for Proteosome-associated autoinflammatory syndrome. Last evaluated: 2019-11-15. Review status: criteria provided, single submitter. Criteria: Invitae Variant Classification Sherloc (09022015). Collection method: clinical testing. Allele origin: germline.
Comment: Algorithms developed to predict the effect of missense changes on protein structure and function are either unavailable or do not agree on the potential impact of this missense change (SIFT: "Tolerated"; PolyPhen-2: "Probably Damaging"; Align-GVGD: "Class C0"). In summary, the available evidence is currently insufficient to determine the role of this variant in disease. Therefore, it has been classified as a Variant of Uncertain Significance. This variant has not been reported in the literature in individuals with PSMB8-related conditions. This variant is not present in population databases (ExAC no frequency). This sequence change replaces glycine with arginine at codon 182 of the PSMB8 protein (p.Gly182Arg). The glycine residue is highly conserved and there is a moderate physicochemical difference between glycine and arginine.

Dubai Health Genomic Medicine Center, Dubai Health
Classification: Uncertain significance for Proteasome-associated autoinflammatory syndrome 1. Last evaluated: 2020-08-13. Review status: flagged submission. Criteria: ACMG Guidelines, 2015. Collection method: clinical testing. Allele origin: germline. Affected: yes. Not counted in ClinVar's aggregate classification.
Comment: The Gly182Arg missense variant in PSMB8 has not been previously reported in affected individuals and was absent from large population studies such as the Genome Aggregation Database (gnomAD) and the Greater Middle East (GME) Variome Database. Computational prediction tools and conservation analysis do not suggest a role for or against pathogenicity. In summary more information is needed to determine the clinical significance of this variant.
ClinVar note: Reason: This record appears to be redundant with a more recent record from the same submitter.
ClinVar note: Notes: SCV001984652 appears to be redundant with SCV002774964.

NM_148919.4(PSMB8):c.544G>A (p.Gly182Arg)

Gene: PSMB8 (proteasome 20S subunit beta 8; minus strand). Cytogenetic location: 6p21.32.
Variant type: single nucleotide variant.
Coding change: c.544G>A on transcript NM_148919.4 (MANE Select); coding-DNA position 544, G replaced by A.
Protein change: p.Gly182Arg; replaces glycine 182 with arginine.
Molecular consequence: missense variant.
Genome position (GRCh38, 1-based): chr6:32,841,729, C>T on the plus strand (G>A on the coding strand, the complement: PSMB8 is on the minus strand). VCF-style: chr6-32841729-C-T. GRCh37 (hg19) VCF-style: chr6-32809506-C-T.
Other names: c.532G>A, p.Gly178Arg (NM_004159.5); short protein forms G178R, G182R.
Identifiers: ClinVar variation 953224 (VCV000953224.13), dbSNP rs1769920763, ClinGen allele CA363588736.